The following is an entry in ClinVar:

NM_000717.5(CA4):c.-24G>C

Gene: CA4 (carbonic anhydrase 4; plus strand). Cytogenetic location: 17q23.1.
Variant type: single nucleotide variant.
Coding change: c.-24G>C on transcript NM_000717.5 (MANE Select); 24 bases upstream of the start codon, G replaced by C.
Molecular consequence: 5 prime UTR variant. On other transcripts: non-coding transcript variant (1).
Genome position (GRCh38, 1-based): chr17:60,150,011, G>C. VCF-style: chr17-60150011-G-C. GRCh37 (hg19) VCF-style: chr17-58227372-G-C.
Identifiers: ClinVar variation 324225 (VCV000324225.6), dbSNP rs345191, ClinGen allele CA8685172.

ClinVar aggregate classification (germline): Benign. Review status: criteria provided, multiple submitters, no conflicts (2 of 4 stars). 2 submissions from 2 submitters: Benign (2). Last evaluated 2018-01-13.

Conditions:
Retinitis pigmentosa (RP). Identifiers: Orphanet 791, MedGen C0035334, MeSH D012174, MONDO:0019200, OMIM 268000. Inheritance: Autosomal dominant, autosomal recessive and X linked inheritance.

Allele frequency attached by ClinVar (database versions not stated): gnomAD exomes 0.00419 and 0.00989; ExAC 0.01218; ESP Exome Variant Server 0.02799; gnomAD 0.02987 and 0.03134; TOPMed 0.03325; 1000 Genomes Project 0.04133; 1000 Genomes Project 30x 0.04201.
gnomAD v4.1: 10,916 of 1,597,832 alleles (0.68%); highest among the groups gnomAD compares: African/African-American, 9.8%; 437 homozygotes.

Submissions (2):

Illumina Laboratory Services, Illumina
Classification: Benign for Retinitis pigmentosa. Last evaluated: 2018-01-13. Review status: criteria provided, single submitter. Criteria: ICSL Variant Classification Criteria 13 December 2019. Collection method: clinical testing. Allele origin: germline.
Comment: This variant was observed in the ICSL laboratory as part of a predisposition screen in an ostensibly healthy population. It had not been previously curated by ICSL or reported in the Human Gene Mutation Database (HGMD: prior to June 1st, 2018), and was therefore a candidate for classification through an automated scoring system. Utilizing variant allele frequency, disease prevalence and penetrance estimates, and inheritance mode, an automated score was calculated to assess if this variant is too frequent to cause the disease. Based on the score and internal cut-off values, a variant classified as benign is not then subjected to further curation. The score for this variant resulted in a classification of benign for this disease.

Breakthrough Genomics
Classification: Benign. Review status: criteria provided, single submitter. Criteria: ACMG Guidelines, 2015. Collection method: not provided. Allele origin: germline. Inheritance: Unknown mechanism. Affected: yes.